The following is an entry in ClinVar:

ClinVar aggregate classification (germline): Uncertain significance (1 of 4 stars; one submission).

Conditions:
Autosomal recessive limb-girdle muscular dystrophy type 2O. Also called: Limb-Girdle Muscular Dystrophy Type 3C; MUSCULAR DYSTROPHY-DYSTROGLYCANOPATHY (LIMB-GIRDLE), TYPE C, 3; MUSCULAR DYSTROPHY-DYSTROGLYCANOPATHY, LIMB-GIRDLE, POMGNT1-RELATED. Identifiers: Orphanet 206564, MedGen C3150417, MONDO:0013161, OMIM 613157.
Muscular dystrophy-dystroglycanopathy (congenital with impaired intellectual development), type B, 3. Also called: Muscular dystrophy-dystroglycanopathy (congenital with intellectual disability), type B3; MUSCULAR DYSTROPHY, CONGENITAL, POMGNT1-RELATED. Identifiers: MedGen C3150412, MONDO:0013155, OMIM 613151.

Submission:

Labcorp Genetics (formerly Invitae), Labcorp
Classification: Uncertain significance for Autosomal recessive limb-girdle muscular dystrophy type 2O; Muscular dystrophy-dystroglycanopathy (congenital with impaired intellectual development), type B, 3. Last evaluated: 2020-11-14. Review status: criteria provided, single submitter. Criteria: Invitae Variant Classification Sherloc (09022015). Collection method: clinical testing. Allele origin: germline.
Comment: This sequence change falls in intron 4 of the POMGNT1 gene. It does not directly change the encoded amino acid sequence of the POMGNT1 protein. This variant is not present in population databases (ExAC no frequency). This variant has not been reported in the literature in individuals with POMGNT1-related conditions. Algorithms developed to predict the effect of sequence changes on RNA splicing suggest that this variant may disrupt the consensus splice site, but this prediction has not been confirmed by published transcriptional studies. In summary, the available evidence is currently insufficient to determine the role of this variant in disease. Therefore, it has been classified as a Variant of Uncertain Significance.

NM_017739.4(POMGNT1):c.355-8C>G

Genes: POMGNT1 (protein O-linked mannose N-acetylglucosaminyltransferase 1 (beta 1,2-); minus strand), TSPAN1 (tetraspanin 1; plus strand). Cytogenetic location: 1p34.1.
Variant type: single nucleotide variant.
Coding change: c.355-8C>G on transcript NM_017739.4 (MANE Select); 8 bases into the intron before coding-DNA position 355, C replaced by G.
Molecular consequence: intron variant.
Genome position (GRCh38, 1-based): chr1:46,196,085, G>C on the plus strand (C>G on the coding strand, the complement: POMGNT1 is on the minus strand). VCF-style: chr1-46196085-G-C. GRCh37 (hg19) VCF-style: chr1-46661757-G-C.
Other names: c.355-8C>G (NM_001243766.2, NM_001438686.1, NM_001438688.1 and 3 more transcripts); c.289-8C>G (NM_001290129.3, NM_001438691.1, NM_001438692.1); c.-75-8C>G (NM_001290130.2).
Identifiers: ClinVar variation 1513949 (VCV001513949.8), dbSNP rs2148213723, ClinGen allele CA2573132025.